The following is an entry in ClinVar:

NM_006393.3(NEBL):c.2252C>T (p.Thr751Ile)

Gene: NEBL (nebulette; minus strand). Cytogenetic location: 10p12.31.
Variant type: single nucleotide variant.
Coding change: c.2252C>T on transcript NM_006393.3 (MANE Select); coding-DNA position 2252, C replaced by T.
Protein change: p.Thr751Ile; replaces threonine 751 with isoleucine.
Molecular consequence: missense variant. On other transcripts: intron variant (9).
Genome position (GRCh38, 1-based): chr10:20,814,033, G>A on the plus strand (C>T on the coding strand, the complement: NEBL is on the minus strand). VCF-style: chr10-20814033-G-A. GRCh37 (hg19) VCF-style: chr10-21102962-G-A.
Other names: c.250-1093C>T (NM_001377326.1, NM_001377327.1, NM_001377328.1); c.358-1093C>T (NM_213569.2, NM_001173484.2, NM_001377322.1); c.301-1093C>T (NM_001377324.1); c.292-1093C>T (NM_001377325.1); c.310-1093C>T (NM_001377323.1); short protein forms T751I.
Identifiers: ClinVar variation 2203162 (VCV002203162.4), dbSNP rs1401864638, ClinGen allele CA376093769.
Genomic context (GRCh38, chr10:20,814,033, plus strand): 5'-CTCATAGCAGGTGTATCTAAAATCAGACTTGGTCTACCTTTCATCTGTTTATGGTCCTGG[G>A]TATATTTTACCTGCAAAGTAAATAGTAGGCATAAGACAATGATAAGAAAACACATGATGT-3'
Protein context (NP_006384.1, residues 741-761): NQENISSVKY[Thr751Ile]QDHKQMKGRP

ClinVar aggregate classification (germline): Uncertain significance (1 of 4 stars; one submission).

Conditions:
Primary dilated cardiomyopathy (DCM). Also called: Dilated Cardiomyopathy. Identifiers: Orphanet 217604, MedGen C0007193, MeSH D002311, MONDO:0005021, HP:0001644. Inheritance: Various modes of inheritance.

Allele frequency attached by ClinVar (database versions not stated): gnomAD exomes below 0.00001; gnomAD 0.00002; TOPMed 0.00002.
gnomAD v4.1: 6 of 1,597,148 alleles (0.00038%); highest among the groups gnomAD compares: African/African-American, 0.0067%; no homozygotes.

Submission:

Labcorp Genetics (formerly Invitae), Labcorp
Classification: Uncertain significance for Primary dilated cardiomyopathy. Last evaluated: 2025-11-26. Review status: criteria provided, single submitter. Criteria: Invitae Variant Classification Sherloc (09022015). Collection method: clinical testing. Allele origin: germline.
Comment: This sequence change replaces threonine, which is neutral and polar, with isoleucine, which is neutral and non-polar, at codon 751 of the NEBL protein (p.Thr751Ile). This variant is not present in population databases (gnomAD no frequency). This variant has not been reported in the literature in individuals affected with NEBL-related conditions. ClinVar contains an entry for this variant (Variation ID: 2203162). An algorithm developed to predict the effect of missense changes on protein structure and function (PolyPhen-2) suggests that this variant is likely to be disruptive. In summary, the available evidence is currently insufficient to determine the role of this variant in disease. Therefore, it has been classified as a Variant of Uncertain Significance.